The following is an entry in ClinVar:

ClinVar aggregate classification (germline): Uncertain significance (1 of 4 stars; one submission).

Submission:

GeneDx
Classification: Uncertain significance. Last evaluated: 2024-12-23. Review status: criteria provided, single submitter. Criteria: GeneDx Variant Classification Process June 2021. Collection method: clinical testing. Allele origin: germline. Affected: yes.
Comment: Not observed at significant frequency in large population cohorts (gnomAD); In silico analysis indicates that this missense variant does not alter protein structure/function; Has not been previously published as pathogenic or benign to our knowledge

NM_014727.3(KMT2B):c.6254C>T (p.Pro2085Leu)

Gene: KMT2B (lysine methyltransferase 2B; plus strand). Cytogenetic location: 19q13.12.
Variant type: single nucleotide variant.
Coding change: c.6254C>T on transcript NM_014727.3 (MANE Select); coding-DNA position 6254, C replaced by T.
Protein change: p.Pro2085Leu; replaces proline 2085 with leucine.
Molecular consequence: missense variant.
Genome position (GRCh38, 1-based): chr19:35,732,803, C>T. VCF-style: chr19-35732803-C-T. GRCh37 (hg19) VCF-style: chr19-36223704-C-T.
Other names: short protein forms P2085L.
Identifiers: ClinVar variation 3907953 (VCV003907953.1).